The following is an entry in ClinVar:

ClinVar aggregate classification (germline): Uncertain significance. Review status: criteria provided, single submitter (1 of 4 stars). 2 submissions from 2 submitters: Uncertain significance (1). 1 of the submissions does not count toward it. Last evaluated 2014-11-03.

Conditions:
ARHGAP31-related disorder. Also called: ARHGAP31-related condition.

Allele frequency attached by ClinVar (database versions not stated): ExAC 0.00005; gnomAD 0.00002; TOPMed 0.00003.
gnomAD v4.1: 26 of 1,614,042 alleles (0.0016%); highest among the groups gnomAD compares: Admixed American, 0.018%; no homozygotes.

Submissions (2):

Eurofins Ntd Llc (ga)
Classification: Uncertain significance. Last evaluated: 2014-11-03. Review status: criteria provided, single submitter. Criteria: EGL Classification Definitions 2015. Collection method: clinical testing. Allele origin: germline. Observed: 1 variant allele, 1 heterozygote.

PreventionGenetics, part of Exact Sciences
Classification: Likely benign for ARHGAP31-related condition. Last evaluated: 2023-02-14. Review status: no assertion criteria provided. Collection method: clinical testing. Allele origin: germline. Not counted in ClinVar's aggregate classification.
Comment: This variant is classified as likely benign based on ACMG/AMP sequence variant interpretation guidelines (Richards et al. 2015 PMID: 25741868, with internal and published modifications).

NM_020754.4(ARHGAP31):c.2412G>A (p.Pro804=)

Gene: ARHGAP31 (Rho GTPase activating protein 31; plus strand). Cytogenetic location: 3q13.33.
Variant type: single nucleotide variant.
Coding change: c.2412G>A on transcript NM_020754.4 (MANE Select); coding-DNA position 2412, G replaced by A.
Protein change: p.Pro804=; no amino-acid change (proline 804 retained).
Molecular consequence: synonymous variant.
Genome position (GRCh38, 1-based): chr3:119,414,341, G>A. VCF-style: chr3-119414341-G-A. GRCh37 (hg19) VCF-style: chr3-119133188-G-A.
Other names: c.2412G>A (NM_020754.3).
Identifiers: ClinVar variation 194110 (VCV000194110.7), dbSNP rs776194035, ClinGen allele CA239935.